The following is an entry in ClinVar:

ClinVar aggregate classification (germline): Uncertain significance (1 of 4 stars; one submission).

Submission:

GeneDx
Classification: Uncertain significance. Last evaluated: 2025-07-08. Review status: criteria provided, single submitter. Criteria: GeneDx Variant Classification Process June 2021. Collection method: clinical testing. Allele origin: germline. Affected: yes.
Comment: Not observed at significant frequency in large population cohorts (gnomAD); In silico analysis supports that this missense variant has a deleterious effect on protein structure/function; Has not been previously published as pathogenic or benign to our knowledge

NM_170606.3(KMT2C):c.14701T>G (p.Cys4901Gly)

Gene: KMT2C (lysine methyltransferase 2C; minus strand). Cytogenetic location: 7q36.1.
Variant type: single nucleotide variant.
Coding change: c.14701T>G on transcript NM_170606.3 (MANE Select); coding-DNA position 14701, T replaced by G.
Protein change: p.Cys4901Gly; replaces cysteine 4901 with glycine.
Molecular consequence: missense variant.
Genome position (GRCh38, 1-based): chr7:152,136,867, A>C on the plus strand (T>G on the coding strand, the complement: KMT2C is on the minus strand). VCF-style: chr7-152136867-A-C. GRCh37 (hg19) VCF-style: chr7-151833952-A-C.
Other names: short protein forms C4901G.
Identifiers: ClinVar variation 4685196 (VCV004685196.1).